The following is an entry in ClinVar:

NM_170606.3(KMT2C):c.10619C>G (p.Ser3540Cys)

Gene: KMT2C (lysine methyltransferase 2C; minus strand). Cytogenetic location: 7q36.1.
Variant type: single nucleotide variant.
Coding change: c.10619C>G on transcript NM_170606.3 (MANE Select); coding-DNA position 10619, C replaced by G.
Protein change: p.Ser3540Cys; replaces serine 3540 with cysteine.
Molecular consequence: missense variant.
Genome position (GRCh38, 1-based): chr7:152,162,958, G>C on the plus strand (C>G on the coding strand, the complement: KMT2C is on the minus strand). VCF-style: chr7-152162958-G-C. GRCh37 (hg19) VCF-style: chr7-151860043-G-C.
Other names: short protein forms S3540C.
Identifiers: ClinVar variation 3377743 (VCV003377743.1).

ClinVar aggregate classification (germline): Uncertain significance (1 of 4 stars; one submission).

Conditions:
Kleefstra syndrome 2 (KLEFS2). Identifiers: MedGen C4540395, MONDO:0054701, OMIM 617768.

Submission:

Neuberg Centre For Genomic Medicine, NCGM
Classification: Uncertain significance for Kleefstra syndrome 2. Last evaluated: 2023-06-22. Review status: criteria provided, single submitter. Criteria: ACMG Guidelines, 2015. Collection method: clinical testing. Allele origin: germline. Inheritance: Autosomal dominant inheritance. Affected: yes.
Comment: The observed missense c.10619C>G(p.Ser3540Cys) variant in KMT2C gene has not been reported previously as a pathogenic variant nor a benign variant, to our knowledge. The p.Ser3540Cys variant is absent in gnomAD Exomes. This variant has not been submitted to the ClinVar database. Multiple lines of computational evidences (Polyphen - Probably damaging, SIFT - Damaging and MutationTaster - Polymorphism) predict conflicting evidence on protein structure and function for this variant. The reference amino acid change at this position on KMT2C gene is predicted as conserved by GERP++ and PhyloP across 100 vertebrates. The amino acid Ser at position 3540 is changed to a Cys changing protein sequence and it might alter its composition and physico-chemical properties. For these reasons, this variant has been classified as a Variant of Uncertain Significance (VUS).